The following is an entry in ClinVar:

ClinVar aggregate classification (germline): Pathogenic/Likely pathogenic. Review status: criteria provided, multiple submitters, no conflicts (2 of 4 stars). 2 submissions from 2 submitters: Pathogenic (1); Likely pathogenic (1). Last evaluated 2024-12-02.

Conditions:
Karyomegalic interstitial nephritis. Identifiers: Orphanet 401996, MedGen C3553774, MONDO:0013898, OMIM 614817.

Allele frequency attached by ClinVar (database versions not stated): gnomAD exomes 0.00001; ExAC 0.00002; TOPMed 0.00002; gnomAD 0.00003.
gnomAD v4.1: 15 of 1,613,902 alleles (0.00093%); highest among the groups gnomAD compares: Admixed American, 0.0033%; no homozygotes.

Submissions (2):

Labcorp Genetics (formerly Invitae), Labcorp
Classification: Pathogenic. Last evaluated: 2024-12-02. Review status: criteria provided, single submitter. Criteria: Invitae Variant Classification Sherloc (09022015). Collection method: clinical testing. Allele origin: germline.
Comment: This sequence change creates a premature translational stop signal (p.Arg754*) in the FAN1 gene. It is expected to result in an absent or disrupted protein product. Loss-of-function variants in FAN1 are known to be pathogenic (PMID: 22772369). This variant is present in population databases (rs748666715, gnomAD 0.003%). This variant has not been reported in the literature in individuals affected with FAN1-related conditions. ClinVar contains an entry for this variant (Variation ID: 1926546). Algorithms developed to predict the effect of sequence changes on RNA splicing suggest that this variant may disrupt the consensus splice site. For these reasons, this variant has been classified as Pathogenic.

Department of Pathology and Laboratory Medicine, Sinai Health System
Classification: Likely pathogenic for Karyomegalic interstitial nephritis. Last evaluated: 2022-03-02. Review status: criteria provided, single submitter. Criteria: ACMG Guidelines, 2015. Collection method: research. Allele origin: germline.

Literature cited by the submitters: PubMed 22772369 (cited by Labcorp Genetics (formerly Invitae), Labcorp).

NM_014967.5(FAN1):c.2260C>T (p.Arg754Ter)

Genes: FAN1 (FANCD2 and FANCI associated nuclease 1; plus strand), MTMR10 (myotubularin related protein 10; minus strand). Cytogenetic location: 15q13.3.
Variant type: single nucleotide variant.
Coding change: c.2260C>T on transcript NM_014967.5 (MANE Select); coding-DNA position 2260, C replaced by T.
Protein change: p.Arg754Ter; replaces arginine 754 with a stop codon.
Molecular consequence: nonsense.
Genome position (GRCh38, 1-based): chr15:30,925,214, C>T. VCF-style: chr15-30925214-C-T. GRCh37 (hg19) VCF-style: chr15-31217417-C-T.
Other names: short protein forms R754*.
Identifiers: ClinVar variation 1926546 (VCV001926546.6), dbSNP rs748666715, ClinGen allele CA7450549.